The following is an entry in ClinVar:

NM_000535.7(PMS2):c.1115T>G (p.Val372Gly)

Gene: PMS2 (PMS1 homolog 2, mismatch repair system component; minus strand). Cytogenetic location: 7p22.1.
Variant type: single nucleotide variant.
Coding change: c.1115T>G on transcript NM_000535.7 (MANE Select); coding-DNA position 1115, T replaced by G.
Protein change: p.Val372Gly; replaces valine 372 with glycine.
Molecular consequence: missense variant. On other transcripts: intron variant (10), non-coding transcript variant (1).
Genome position (GRCh38, 1-based): chr7:5,989,829, A>C on the plus strand (T>G on the coding strand, the complement: PMS2 is on the minus strand). VCF-style: chr7-5989829-A-C. GRCh37 (hg19) VCF-style: chr7-6029460-A-C.
Other names: c.679+2144T>G (NM_001406900.1); c.583+2144T>G (NM_001406907.1, NM_001322010.2, NM_001406906.1); c.820+2144T>G (NM_001406884.1); c.804-6838T>G (NM_001406912.1); c.988+2144T>G (NM_001322006.2, NM_001406870.1); c.710T>G, p.Val237Gly (NM_001406892.1, NM_001406893.1, NM_001406894.1 and 16 more transcripts); c.797T>G, p.Val266Gly (NM_001406903.1, NM_001406883.1, NM_001322007.2 and 2 more transcripts); c.602T>G, p.Val201Gly (NM_001406904.1, NM_001406905.1); and 13 more; short protein forms V181G, V380G, V61G, V115G, V201G, V269G, V306G, V316G.
Identifiers: ClinVar variation 3649422 (VCV003649422.2).

ClinVar aggregate classification (germline): Uncertain significance (1 of 4 stars; one submission).

Conditions:
Hereditary nonpolyposis colorectal neoplasms. Identifiers: MedGen C0009405, MeSH D003123.

Submission:

Labcorp Genetics (formerly Invitae), Labcorp
Classification: Uncertain significance for Hereditary nonpolyposis colorectal neoplasms. Last evaluated: 2024-04-10. Review status: criteria provided, single submitter. Criteria: Invitae Variant Classification Sherloc (09022015). Collection method: clinical testing. Allele origin: germline.
Comment: This sequence change replaces valine, which is neutral and non-polar, with glycine, which is neutral and non-polar, at codon 372 of the PMS2 protein (p.Val372Gly). This variant is not present in population databases (gnomAD no frequency). This variant has not been reported in the literature in individuals affected with PMS2-related conditions. Advanced modeling of protein sequence and biophysical properties (such as structural, functional, and spatial information, amino acid conservation, physicochemical variation, residue mobility, and thermodynamic stability) performed at Invitae indicates that this missense variant is expected to disrupt PMS2 protein function with a positive predictive value of 80%. In summary, the available evidence is currently insufficient to determine the role of this variant in disease. Therefore, it has been classified as a Variant of Uncertain Significance.